The following is an entry in ClinVar:

NM_133510.4(RAD51B):c.622A>G (p.Ile208Val)

Gene: RAD51B (RAD51 paralog B; plus strand). Cytogenetic location: 14q24.1.
Variant type: single nucleotide variant.
Coding change: c.622A>G on transcript NM_133510.4 (MANE Select); coding-DNA position 622, A replaced by G.
Protein change: p.Ile208Val; replaces isoleucine 208 with valine.
Molecular consequence: missense variant.
Genome position (GRCh38, 1-based): chr14:67,887,070, A>G. VCF-style: chr14-67887070-A-G. GRCh37 (hg19) VCF-style: chr14-68353787-A-G.
Other names: c.622A>G, p.Ile208Val (NM_001321819.1, NM_001321821.2, NM_002877.6 and 6 more transcripts); c.508A>G, p.Ile170Val (NM_001321815.1); c.265A>G, p.Ile89Val (NM_001321817.2); short protein forms I170V, I89V, I208V.
Identifiers: ClinVar variation 4824254 (VCV004824254.1).
Genomic context (GRCh38, chr14:67,887,070, plus strand): 5'-TTCTTTTATAGGATTGAATCTTTGGAAGAAGAAATTATCTCAAAAGGAATTAAACTTGTG[A>G]TTCTTGACTCTGTTGCTTCTGTGGTCAGAAAGGAGTTTGATGCACAACTTCAAGGCAATC-3'
Protein context (NP_598194.1, residues 198-218): EIISKGIKLV[Ile208Val]LDSVASVVRK

ClinVar aggregate classification (germline): Uncertain significance (1 of 4 stars; one submission).

gnomAD v4.1: 1 of 1,569,462 alleles (0.000064%); highest among the groups gnomAD compares: Non-Finnish European, 0.000087%; no homozygotes.

Submission:

Ambry Genetics
Classification: Uncertain significance. Last evaluated: 2026-01-20. Review status: criteria provided, single submitter. Criteria: Ambry Variant Classification Scheme 2023. Collection method: clinical testing. Allele origin: germline.
Comment: The p.I208V variant (also known as c.622A>G), located in coding exon 6 of the RAD51B gene, results from an A to G substitution at nucleotide position 622. The isoleucine at codon 208 is replaced by valine, an amino acid with highly similar properties. This amino acid position is conserved. In addition, this alteration is predicted to be tolerated by in silico analysis. Based on the available evidence, the clinical significance of this variant remains unclear.